The following is an entry in ClinVar:

ClinVar aggregate classification (germline): Pathogenic/Likely pathogenic. Review status: criteria provided, multiple submitters, no conflicts (2 of 4 stars). 3 submissions from 3 submitters: Pathogenic (2); Likely pathogenic (1). Last evaluated 2025-08-22.

Conditions:
Cardiomyopathy, familial hypertrophic 27. Identifiers: MedGen C4748014, MONDO:0054838, OMIM 618052.

Allele frequency attached by ClinVar (database versions not stated): gnomAD exomes below 0.00001.

Submissions (3):

Dasa
Classification: Likely pathogenic. Last evaluated: 2025-08-22. Review status: criteria provided, single submitter. Criteria: DASA Assertion Criteria. Collection method: clinical testing. Allele origin: germline.
Comment: NM_020778.5(ALPK3):c.3936_3937del (p.Asp1312GlufsTer14) is a frameshift variant in ALPK3 predicted to alter the reading frame and introduce a premature termination codon and is predicted to result in an absent or altered protein product. Loss of function is an established disease mechanism for ALPK3-associated disorders. Also, this variant is rare in population databases. Based on the currently available evidence, this variant is classified as likely pathogenic.

Labcorp Genetics (formerly Invitae), Labcorp
Classification: Pathogenic. Last evaluated: 2025-06-12. Review status: criteria provided, single submitter. Criteria: Invitae Variant Classification Sherloc (09022015). Collection method: clinical testing. Allele origin: germline.
Comment: This sequence change creates a premature translational stop signal (p.Asp1514Glufs*14) in the ALPK3 gene. It is expected to result in an absent or disrupted protein product. Loss-of-function variants in ALPK3 are known to be pathogenic (PMID: 21441111, 26846950, 27106955, 34263907). This variant is not present in population databases (gnomAD no frequency). This variant has not been reported in the literature in individuals affected with ALPK3-related conditions. ClinVar contains an entry for this variant (Variation ID: 1459844). For these reasons, this variant has been classified as Pathogenic.

Laboratorio de Genetica e Diagnostico Molecular, Hospital Israelita Albert Einstein
Classification: Pathogenic for Cardiomyopathy, familial hypertrophic 27. Last evaluated: 2024-10-25. Review status: criteria provided, single submitter. Criteria: ACMG Guidelines, 2015. Collection method: clinical testing. Allele origin: germline. Affected: yes.
Comment: ACMG classification criteria: PVS1 very strong, PM2 supporting, PM3 supporting

Literature cited by the submitters: PubMed 21441111 (cited by Labcorp Genetics (formerly Invitae), Labcorp); PubMed 26846950 (cited by Labcorp Genetics (formerly Invitae), Labcorp); PubMed 27106955 (cited by Labcorp Genetics (formerly Invitae), Labcorp); PubMed 34263907 (cited by Labcorp Genetics (formerly Invitae), Labcorp).

NM_020778.5(ALPK3):c.3936_3937del (p.Asp1312fs)

Gene: ALPK3 (alpha kinase 3; plus strand). Cytogenetic location: 15q25.3.
Variant type: Deletion.
Coding change: c.3936_3937del on transcript NM_020778.5 (MANE Select); coding-DNA positions 3936 to 3937, 2 bases deleted (TC; older notation c.3936_3937delTC).
Protein change: p.Asp1312fs; shifts the reading frame from aspartic acid 1312.
Molecular consequence: frameshift variant.
Genome position (GRCh38, 1-based): chr15:84,859,361-84,859,362, TC deleted. VCF-style (leftmost placement, unchanged base first): chr15-84859360-ATC-A. GRCh37 (hg19) VCF-style: chr15-85402591-ATC-A.
Other names: short protein forms D1312fs.
Identifiers: ClinVar variation 1459844 (VCV001459844.9), dbSNP rs2141570299, ClinGen allele CA2573151308.